The following is an entry in ClinVar:

ClinVar aggregate classification (germline): Likely benign. Review status: criteria provided, multiple submitters, no conflicts (2 of 4 stars). 4 submissions from 4 submitters: Likely benign (3). 1 of the submissions does not count toward it. Last evaluated 2025-12-09.

Conditions:
CEBPE-related disorder. Also called: CEBPE-related condition.
Specific granule deficiency. Identifiers: Orphanet 169142, MedGen C0398593, MONDO:0009506.

Allele frequency attached by ClinVar (database versions not stated): gnomAD exomes 0.00008; ExAC 0.00009; gnomAD 0.00010 and 0.00011; TOPMed 0.00019; ESP Exome Variant Server 0.00023.
gnomAD v4.1: 49 of 1,612,814 alleles (0.003%); highest among the groups gnomAD compares: African/African-American, 0.044%; no homozygotes.

Submissions (4):

Labcorp Genetics (formerly Invitae), Labcorp
Classification: Likely benign for Specific granule deficiency. Last evaluated: 2025-12-09. Review status: criteria provided, single submitter. Criteria: Invitae Variant Classification Sherloc (09022015). Collection method: clinical testing. Allele origin: germline.

Blueprint Genetics
Classification: Likely benign. Last evaluated: 2022-11-24. Review status: criteria provided, single submitter. Criteria: ACMG Guidelines, 2015. Collection method: clinical testing. Allele origin: germline.

CeGaT Center for Human Genetics Tuebingen
Classification: Likely benign. Last evaluated: 2022-05-01. Review status: criteria provided, single submitter. Criteria: CeGaT Center For Human Genetics Tuebingen Variant Classification Criteria Version 2. Collection method: clinical testing. Allele origin: germline. Affected: yes. Observed: 1 variant allele.
Comment: CEBPE: BP4, BP7

PreventionGenetics, part of Exact Sciences
Classification: Likely benign for CEBPE-related condition. Last evaluated: 2024-03-05. Review status: no assertion criteria provided. Collection method: clinical testing. Allele origin: germline. Not counted in ClinVar's aggregate classification.
Comment: This variant is classified as likely benign based on ACMG/AMP sequence variant interpretation guidelines (Richards et al. 2015 PMID: 25741868, with internal and published modifications).

NM_001805.4(CEBPE):c.828C>T (p.Gly276=)

Gene: CEBPE (CCAAT enhancer binding protein epsilon; minus strand). Cytogenetic location: 14q11.2.
Variant type: single nucleotide variant.
Coding change: c.828C>T on transcript NM_001805.4 (MANE Select); coding-DNA position 828, C replaced by T.
Protein change: p.Gly276=; no amino-acid change (glycine 276 retained).
Molecular consequence: synonymous variant.
Genome position (GRCh38, 1-based): chr14:23,117,505, G>A on the plus strand (C>T on the coding strand, the complement: CEBPE is on the minus strand). VCF-style: chr14-23117505-G-A. GRCh37 (hg19) VCF-style: chr14-23586714-G-A.
Identifiers: ClinVar variation 787006 (VCV000787006.37), dbSNP rs143753215, ClinGen allele CA7111085.